The following is an entry in ClinVar:

NM_033337.3(CAV3):c.159C>A (p.Ser53Arg)

Genes: CAV3 (caveolin 3; plus strand), OXTR (oxytocin receptor; minus strand). Cytogenetic location: 3p25.3.
Variant type: single nucleotide variant.
Coding change: c.159C>A on transcript NM_033337.3 (MANE Select); coding-DNA position 159, C replaced by A.
Protein change: p.Ser53Arg; replaces serine 53 with arginine.
Molecular consequence: missense variant.
Genome position (GRCh38, 1-based): chr3:8,745,570, C>A. VCF-style: chr3-8745570-C-A. GRCh37 (hg19) VCF-style: chr3-8787256-C-A.
Other names: c.159C>A, p.Ser53Arg (NM_001234.5); short protein forms S53R.
Identifiers: ClinVar variation 4849512 (VCV004849512.1).
Genomic context (GRCh38, chr3:8,745,570, plus strand): 5'-CTTGCCACCCCTGCAGGTGGATTTTGAAGACGTGATCGCAGAGCCTGTGGGCACCTACAG[C>A]TTTGACGGCGTGTGGAAGGTGAGCTACACCACCTTCACTGTCTCCAAGTACTGGTGCTAC-3'
Protein context (NP_203123.1, residues 43-63): DVIAEPVGTY[Ser53Arg]FDGVWKVSYT

ClinVar aggregate classification (germline): Likely pathogenic (0 of 4 stars; one submission).

Conditions:
Limb-girdle muscular dystrophy (LGMD). Also called: Muscular Dystrophies, Limb-Girdle. Identifiers: Orphanet 263, MedGen C0686353, MeSH D049288, MONDO:0016971, HP:0006785.

Submission:

Department of Neuromuscular Research, National Center of Neurology and Psychiatry
Classification: Likely pathogenic for Limb-girdle muscular dystrophy. Review status: no assertion criteria provided. Collection method: clinical testing. Allele origin: unknown. Inheritance: Autosomal dominant inheritance. Affected: yes. Observed: 1 variant allele, 1 heterozygote.
Comment: PM2, PM1, PP2, PP3 according to ACMG classification of 2015